The following is an entry in ClinVar:

NM_001939.3(DRP2):c.854T>C (p.Met285Thr)

Gene: DRP2 (dystrophin related protein 2; plus strand). Cytogenetic location: Xq22.1.
Variant type: single nucleotide variant.
Coding change: c.854T>C on transcript NM_001939.3 (MANE Select); coding-DNA position 854, T replaced by C.
Protein change: p.Met285Thr; replaces methionine 285 with threonine.
Molecular consequence: missense variant.
Genome position (GRCh38, 1-based): chrX:101,242,350, T>C. VCF-style: chrX-101242350-T-C. GRCh37 (hg19) VCF-style: chrX-100497339-T-C.
Other names: c.620T>C, p.Met207Thr (NM_001171184.2); short protein forms M285T, M207T.
Identifiers: ClinVar variation 2093788 (VCV002093788.4), dbSNP rs2523070622, ClinGen allele CA413918382.

ClinVar aggregate classification (germline): Uncertain significance (1 of 4 stars; one submission).

Submission:

Labcorp Genetics (formerly Invitae), Labcorp
Classification: Uncertain significance. Last evaluated: 2022-02-06. Review status: criteria provided, single submitter. Criteria: Invitae Variant Classification Sherloc (09022015). Collection method: clinical testing. Allele origin: germline.
Comment: This sequence change replaces methionine, which is neutral and non-polar, with threonine, which is neutral and polar, at codon 285 of the DRP2 protein (p.Met285Thr). This variant is not present in population databases (gnomAD no frequency). This variant has not been reported in the literature in individuals affected with DRP2-related conditions. Algorithms developed to predict the effect of missense changes on protein structure and function are either unavailable or do not agree on the potential impact of this missense change (SIFT: "Tolerated"; PolyPhen-2: "Benign"; Align-GVGD: "Class C25"). In summary, the available evidence is currently insufficient to determine the role of this variant in disease. Therefore, it has been classified as a Variant of Uncertain Significance.